The following is an entry in ClinVar:

NM_014249.4(NR2E3):c.595A>G (p.Ser199Gly)

Gene: NR2E3 (nuclear receptor subfamily 2 group E member 3; plus strand). Cytogenetic location: 15q23.
Variant type: single nucleotide variant.
Coding change: c.595A>G on transcript NM_014249.4 (MANE Select); coding-DNA position 595, A replaced by G.
Protein change: p.Ser199Gly; replaces serine 199 with glycine.
Molecular consequence: missense variant.
Genome position (GRCh38, 1-based): chr15:71,812,359, A>G. VCF-style: chr15-71812359-A-G. GRCh37 (hg19) VCF-style: chr15-72104699-A-G.
Other names: c.595A>G, p.Ser199Gly (NM_016346.4); c.595A>G (NM_014249.2); short protein forms S199G.
Identifiers: ClinVar variation 964615 (VCV000964615.9), dbSNP rs201347199, ClinGen allele CA7640356.
Genomic context (GRCh38, chr15:71,812,359, plus strand): 5'-AAGCAGGCGCTAAGATCACAACCTCCTCCTCCAACAGCTGATGAGAATATTGATGTCACC[A>G]GCAATGACCCTGAGTTCCCCTCCTCTCCATACTCCTCTTCCTCCCCCTGCGGCCTGGACA-3'
Protein context (NP_055064.1, residues 189-209): EDADENIDVT[Ser199Gly]NDPEFPSSPY

ClinVar aggregate classification (germline): Uncertain significance. Review status: criteria provided, multiple submitters, no conflicts (2 of 4 stars). 5 submissions from 5 submitters: Uncertain significance (4). 1 of the submissions does not count toward it. Last evaluated 2026-05-14.

Conditions:
NR2E3-related disorder. Also called: NR2E3-related disorders; NR2E3-related condition. Identifiers: MedGen CN239387.
Inborn genetic diseases. Identifiers: MedGen C0950123, MeSH D030342.
Enhanced S-cone syndrome (ESCS). Identifiers: Orphanet 53540, MedGen C1849394, MONDO:0100288, MONDO:0009989.

Allele frequency attached by ClinVar (database versions not stated): gnomAD exomes 0.00001 and 0.00003; ExAC 0.00004; 1000 Genomes Project 30x 0.00016; ESP Exome Variant Server 0.00016; gnomAD 0.00019; TOPMed 0.00019; 1000 Genomes Project 0.00020.
gnomAD v4.1: 45 of 1,613,748 alleles (0.0028%); highest among the groups gnomAD compares: African/African-American, 0.053%; no homozygotes.

Submissions (5):

PreventionGenetics, part of Exact Sciences
Classification: Uncertain significance for NR2E3-related condition. Last evaluated: 2026-05-14. Review status: criteria provided, single submitter. Criteria: ACMG Guidelines, 2015. Collection method: clinical testing. Allele origin: germline.
Comment: The NR2E3 c.595A>G variant is predicted to result in the amino acid substitution p.Ser199Gly. To our knowledge, this variant has not been reported in the literature. This variant is reported in 0.054% of alleles in individuals of African descent in gnomAD, which may be too frequent to be a primary cause of disease. Although we suspect that this variant may be benign, at this time, the clinical significance of this variant is uncertain due to the absence of conclusive functional and genetic evidence.

Labcorp Genetics (formerly Invitae), Labcorp
Classification: Uncertain significance. Last evaluated: 2026-01-15. Review status: criteria provided, single submitter. Criteria: Invitae Variant Classification Sherloc (09022015). Collection method: clinical testing. Allele origin: germline.
Comment: This sequence change replaces serine, which is neutral and polar, with glycine, which is neutral and non-polar, at codon 199 of the NR2E3 protein (p.Ser199Gly). This variant is present in population databases (rs201347199, gnomAD 0.05%). This variant has not been reported in the literature in individuals affected with NR2E3-related conditions. ClinVar contains an entry for this variant (Variation ID: 964615). Invitae Evidence Modeling of protein sequence and biophysical properties (such as structural, functional, and spatial information, amino acid conservation, physicochemical variation, residue mobility, and thermodynamic stability) indicates that this missense variant is not expected to disrupt NR2E3 protein function with a negative predictive value of 80%. In summary, the available evidence is currently insufficient to determine the role of this variant in disease. Therefore, it has been classified as a Variant of Uncertain Significance.

Blueprint Genetics
Classification: Uncertain significance. Last evaluated: 2022-05-24. Review status: criteria provided, single submitter. Criteria: ACMG Guidelines, 2015. Collection method: clinical testing. Allele origin: germline.

Ambry Genetics
Classification: Uncertain significance for Inborn genetic diseases. Last evaluated: 2021-09-22. Review status: criteria provided, single submitter. Criteria: Ambry Variant Classification Scheme 2023. Collection method: clinical testing. Allele origin: germline.

Natera, Inc.
Classification: Uncertain significance for Enhanced S cone syndrome. Last evaluated: 2020-03-13. Review status: no assertion criteria provided. Collection method: clinical testing. Allele origin: germline. Not counted in ClinVar's aggregate classification.